The following is an entry in ClinVar:

NM_004304.5(ALK):c.4247A>G (p.Lys1416Arg)

Gene: ALK (ALK receptor tyrosine kinase; minus strand). Cytogenetic location: 2p23.2.
Variant type: single nucleotide variant.
Coding change: c.4247A>G on transcript NM_004304.5 (MANE Select); coding-DNA position 4247, A replaced by G.
Protein change: p.Lys1416Arg; replaces lysine 1416 with arginine.
Molecular consequence: missense variant.
Genome position (GRCh38, 1-based): chr2:29,193,840, T>C on the plus strand (A>G on the coding strand, the complement: ALK is on the minus strand). VCF-style: chr2-29193840-T-C. GRCh37 (hg19) VCF-style: chr2-29416706-T-C.
Other names: c.1043A>G, p.Lys348Arg (NM_001353765.2); short protein forms K1416R, K348R.
Identifiers: ClinVar variation 582971 (VCV000582971.13), dbSNP rs1558604110, ClinGen allele CA346463093.

ClinVar aggregate classification (germline): Uncertain significance. Review status: criteria provided, multiple submitters, no conflicts (2 of 4 stars). 2 submissions from 2 submitters: Uncertain significance (2). Last evaluated 2025-12-16.

Conditions:
Neuroblastoma, susceptibility to, 3. Also called: ALK-Related Neuroblastic Tumor Susceptibility. Identifiers: Orphanet 635, MedGen C2751681, MONDO:0013083, OMIM 613014.
Hereditary cancer-predisposing syndrome. Also called: Neoplastic Syndromes, Hereditary; Hereditary neoplastic syndrome; Tumor predisposition; Hereditary Cancer Syndrome. Identifiers: Orphanet 140162, MedGen C0027672, MeSH D009386, MONDO:0015356.

gnomAD v4.1: 1 of 1,612,644 alleles (0.000062%); highest among the groups gnomAD compares: East Asian, 0.0022%; no homozygotes.

Submissions (2):

Ambry Genetics
Classification: Uncertain significance for Hereditary cancer-predisposing syndrome. Last evaluated: 2025-12-16. Review status: criteria provided, single submitter. Criteria: Ambry Variant Classification Scheme 2023. Collection method: clinical testing. Allele origin: germline.
Comment: The p.K1416R variant (also known as c.4247A>G), located in coding exon 29 of the ALK gene, results from an A to G substitution at nucleotide position 4247. The lysine at codon 1416 is replaced by arginine, an amino acid with highly similar properties. This amino acid position is conserved. In addition, this alteration is predicted to be tolerated by in silico analysis. Since supporting evidence is limited at this time, the clinical significance of this alteration remains unclear.

Labcorp Genetics (formerly Invitae), Labcorp
Classification: Uncertain significance for Neuroblastoma, susceptibility to, 3. Last evaluated: 2025-12-13. Review status: criteria provided, single submitter. Criteria: Invitae Variant Classification Sherloc (09022015). Collection method: clinical testing. Allele origin: germline.
Comment: This sequence change replaces lysine, which is basic and polar, with arginine, which is basic and polar, at codon 1416 of the ALK protein (p.Lys1416Arg). This variant is not present in population databases (gnomAD no frequency). This variant has not been reported in the literature in individuals affected with ALK-related conditions. ClinVar contains an entry for this variant (Variation ID: 582971). An algorithm developed to predict the effect of missense changes on protein structure and function (PolyPhen-2) suggests that this variant is likely to be tolerated. In summary, the available evidence is currently insufficient to determine the role of this variant in disease. Therefore, it has been classified as a Variant of Uncertain Significance.